The following is an entry in ClinVar:

NM_001080517.3(SETD5):c.4103C>T (p.Thr1368Ile)

Gene: SETD5 (SET domain containing 5; plus strand). Cytogenetic location: 3p25.3.
Variant type: single nucleotide variant.
Coding change: c.4103C>T on transcript NM_001080517.3 (MANE Select); coding-DNA position 4103, C replaced by T.
Protein change: p.Thr1368Ile; replaces threonine 1368 with isoleucine.
Molecular consequence: missense variant.
Genome position (GRCh38, 1-based): chr3:9,475,865, C>T. VCF-style: chr3-9475865-C-T. GRCh37 (hg19) VCF-style: chr3-9517549-C-T.
Other names: c.3809C>T, p.Thr1270Ile (NM_001292043.2, NM_001349451.2); c.4103C>T (NM_001080517.1); short protein forms T1270I, T1368I.
Identifiers: ClinVar variation 1325572 (VCV001325572.5), dbSNP rs781208584, ClinGen allele CA2239865.
Genomic context (GRCh38, chr3:9,475,865, plus strand): 5'-CCCTGCAGGGACCCTCAGACTCGCCAACCTCAGATTCAGTTTCTCAGTCCAGCACAGGAA[C>T]TCTGAGTTCCACCTCCTTTCCTCAGAACTCTAGGTCGTCATTGCCATCAGACTTACGGAC-3'
Protein context (NP_001073986.1, residues 1358-1378): SDSVSQSSTG[Thr1368Ile]LSSTSFPQNS

ClinVar aggregate classification (germline): Conflicting classifications of pathogenicity. Review status: criteria provided, conflicting classifications (1 of 4 stars). 3 submissions from 3 submitters: Uncertain significance (2); Likely benign (1). Last evaluated 2025-12-16.

Conditions:
Inborn genetic diseases. Identifiers: MedGen C0950123, MeSH D030342.
Intellectual disability-facial dysmorphism syndrome due to SETD5 haploinsufficiency (MRD23). Also called: Intellectual developmental disorder, autosomal dominant 23. Identifiers: Orphanet 404440, MedGen C3810406, MONDO:0014336, OMIM 615761.

Allele frequency attached by ClinVar (database versions not stated): ExAC 0.00001; gnomAD 0.00001; gnomAD exomes 0.00001; TOPMed 0.00001.
gnomAD v4.1: 11 of 1,613,942 alleles (0.00068%); highest among the groups gnomAD compares: Admixed American, 0.0033%; no homozygotes.

Submissions (3):

Labcorp Genetics (formerly Invitae), Labcorp
Classification: Uncertain significance. Last evaluated: 2025-12-16. Review status: criteria provided, single submitter. Criteria: Invitae Variant Classification Sherloc (09022015). Collection method: clinical testing. Allele origin: germline.
Comment: This sequence change replaces threonine, which is neutral and polar, with isoleucine, which is neutral and non-polar, at codon 1368 of the SETD5 protein (p.Thr1368Ile). This variant is present in population databases (rs781208584, gnomAD 0.006%). This variant has not been reported in the literature in individuals affected with SETD5-related conditions. ClinVar contains an entry for this variant (Variation ID: 1325572). Invitae Evidence Modeling of protein sequence and biophysical properties (such as structural, functional, and spatial information, amino acid conservation, physicochemical variation, residue mobility, and thermodynamic stability) indicates that this missense variant is not expected to disrupt SETD5 protein function with a negative predictive value of 80%. In summary, the available evidence is currently insufficient to determine the role of this variant in disease. Therefore, it has been classified as a Variant of Uncertain Significance.

Ambry Genetics
Classification: Likely benign for Inborn genetic diseases. Last evaluated: 2022-07-19. Review status: criteria provided, single submitter. Criteria: Ambry Variant Classification Scheme 2023. Collection method: clinical testing. Allele origin: germline.

New York Genome Center
Classification: Uncertain significance for Intellectual disability-facial dysmorphism syndrome due to SETD5 haploinsufficiency. Last evaluated: 2020-04-18. Review status: criteria provided, single submitter. Criteria: NYGC Assertion Criteria 2020. Collection method: clinical testing. Allele origin: germline. Observed: 1 heterozygote. Study: CSER-NYCKidSeq.